The following is an entry in ClinVar:

NM_001754.5(RUNX1):c.509-5C>T

Genes: RUNX1 (RUNX family transcription factor 1; minus strand), RUNX1-AS1 (RUNX1 antisense RNA 1; plus strand). Cytogenetic location: 21q22.12.
Variant type: single nucleotide variant.
Coding change: c.509-5C>T on transcript NM_001754.5 (MANE Select); 5 bases into the intron before coding-DNA position 509, C replaced by T.
Molecular consequence: intron variant.
Genome position (GRCh38, 1-based): chr21:34,859,583, G>A on the plus strand (C>T on the coding strand, the complement: RUNX1 is on the minus strand). VCF-style: chr21-34859583-G-A. GRCh37 (hg19) VCF-style: chr21-36231880-G-A.
Other names: c.428-5C>T (NM_001001890.3, NM_001122607.2); c.509-5C>T (NM_001754.4).
Identifiers: ClinVar variation 2979855 (VCV002979855.5), dbSNP rs1445730412, ClinGen allele CA637745022.
Genomic context (GRCh38, chr21:34,859,583, plus strand): 5'-GGTGGCGACTTGCGGTGGGTTTGTGAAGACAGTGATGGTCAGAGTGAAGCTTTTCCCTGT[G>A]GGGACACGATAGAGAACAAAACAGAATGAGGTTGGTGGCCTGAACATATCTGTTGAATAA-3'

ClinVar aggregate classification (germline): Likely benign. Review status: reviewed by expert panel (3 of 4 stars). 3 submissions from 3 submitters: Likely benign (1). 2 of the submissions do not count toward it. Last evaluated 2024-11-04.

Conditions:
Hereditary thrombocytopenia and hematologic cancer predisposition syndrome. Identifiers: Orphanet 71290, MedGen CN281654, MONDO:0011071.
Hereditary thrombocytopenia and hematological cancer predisposition syndrome associated with RUNX1. Also called: RUNX1 Familial Platelet Disorder with Associated Myeloid Malignancies; Familial Platelet Disorder with Propensity to Acute Myelogenous Leukemia; Familial thrombocytopenia with propensity to acute myelogenous leukemia; PLATELET DISORDER, ASPIRIN-LIKE. Identifiers: Orphanet 71290, MedGen C1832388, MeSH C563324, MONDO:0100083, OMIM 601399.
Inborn genetic diseases. Identifiers: MedGen C0950123, MeSH D030342.

Allele frequency attached by ClinVar (database versions not stated): gnomAD exomes 0.00001.
gnomAD v4.1: 8 of 1,609,506 alleles (0.0005%); highest among the groups gnomAD compares: Non-Finnish European, 0.00068%; no homozygotes.

Submissions (3):

ClinGen Myeloid Malignancy Variant Curation Expert Panel
Classification: Likely benign for Hereditary thrombocytopenia and hematologic cancer predisposition syndrome. Last evaluated: 2024-11-04. Review status: reviewed by expert panel. Criteria: ClinGen MyeloMalig ACMG Specifications v2. Collection method: curation. Allele origin: germline. Inheritance: Autosomal dominant inheritance.
Comment: NM_001754.5(RUNX1):c.509-5C>T is an intronic variant which has a SpliceAI score ≤ 0.20 (0.0) (BP4). This variant has a SpliceAI score ≤ 0.20 (0.0) and evolutionary conservation prediction algorithms predict the site as not being conserved (PhyloP score ≤ 2.0 (-2.86) (BP7). In summary, this variant meets criteria to be classified as likely benign. ACMG/AMP criteria applied, as specified by the Myeloid Malignancy Variant Curation Expert Panel for RUNX1: BP4, BP7.

Ambry Genetics
Classification: Uncertain significance for Inborn genetic diseases. Last evaluated: 2026-01-06. Review status: criteria provided, single submitter. Criteria: Ambry Variant Classification Scheme 2023. Collection method: clinical testing. Allele origin: germline. Not counted in ClinVar's aggregate classification.
Comment: The c.509-5C>T intronic variant results from a C to T substitution 5 nucleotides upstream from coding exon 5 in the RUNX1 gene. This nucleotide position is not well conserved in available vertebrate species. In silico splice site analysis predicts that this alteration will not have any significant effect on splicing. Based on the available evidence, the clinical significance of this variant remains unclear.

Labcorp Genetics (formerly Invitae), Labcorp
Classification: Likely benign for Hereditary thrombocytopenia and hematological cancer predisposition syndrome associated with RUNX1. Last evaluated: 2023-08-07. Review status: criteria provided, single submitter. Criteria: Invitae Variant Classification Sherloc (09022015). Collection method: clinical testing. Allele origin: germline. Not counted in ClinVar's aggregate classification.